The following is an entry in ClinVar:

ClinVar aggregate classification (germline): Likely benign (0 of 4 stars; one submission).

Conditions:
IFT172-related disorder. Also called: IFT172-related disorders; IFT172-related condition.

Submission:

PreventionGenetics, part of Exact Sciences
Classification: Likely benign for IFT172-related condition. Last evaluated: 2023-07-18. Review status: no assertion criteria provided. Collection method: clinical testing. Allele origin: germline.
Comment: This variant is classified as likely benign based on ACMG/AMP sequence variant interpretation guidelines (Richards et al. 2015 PMID: 25741868, with internal and published modifications).

NM_015662.3(IFT172):c.2642+5G>A

Genes: IFT172 (intraflagellar transport 172; minus strand), LOC126806174 (CDK7 strongly-dependent group 2 enhancer GRCh37_chr2:27681686-27682885; plus strand). Cytogenetic location: 2p23.3.
Variant type: single nucleotide variant.
Coding change: c.2642+5G>A on transcript NM_015662.3 (MANE Select); 5 bases into the intron after coding-DNA position 2642, G replaced by A.
Molecular consequence: intron variant.
Genome position (GRCh38, 1-based): chr2:27,459,704, C>T on the plus strand (G>A on the coding strand, the complement: IFT172 is on the minus strand). VCF-style: chr2-27459704-C-T. GRCh37 (hg19) VCF-style: chr2-27682571-C-T.
Other names: c.2576+5G>A (NM_001410739.1).
Identifiers: ClinVar variation 3356185 (VCV003356185.1).